The following is an entry in ClinVar:

NM_000038.6(APC):c.3981A>C (p.Ser1327=)

Gene: APC (APC regulator of Wnt signaling pathway; plus strand). Cytogenetic location: 5q22.2.
Variant type: single nucleotide variant.
Coding change: c.3981A>C on transcript NM_000038.6 (MANE Select); coding-DNA position 3981, A replaced by C.
Protein change: p.Ser1327=; no amino-acid change (serine 1327 retained).
Molecular consequence: synonymous variant.
Genome position (GRCh38, 1-based): chr5:112,839,575, A>C. VCF-style: chr5-112839575-A-C. GRCh37 (hg19) VCF-style: chr5-112175272-A-C.
Other names: c.3981A>C, p.Ser1327= (NM_001127510.3, NM_001354895.2); c.3927A>C, p.Ser1309= (NM_001127511.3); c.4035A>C, p.Ser1345= (NM_001354896.2); c.4011A>C, p.Ser1337= (NM_001354897.2); c.3906A>C, p.Ser1302= (NM_001354898.2); c.3897A>C, p.Ser1299= (NM_001354899.2); c.3858A>C, p.Ser1286= (NM_001354900.2); c.3804A>C, p.Ser1268= (NM_001354901.2); and 5 more.
Identifiers: ClinVar variation 824457 (VCV000824457.12), dbSNP rs1554085433, ClinGen allele CA445963992.

ClinVar aggregate classification (germline): Benign/Likely benign. Review status: criteria provided, multiple submitters, no conflicts (2 of 4 stars). 3 submissions from 3 submitters: Benign (1); Likely benign (2). Last evaluated 2024-03-25.

Conditions:
Hereditary cancer-predisposing syndrome. Also called: Neoplastic Syndromes, Hereditary; Tumor predisposition; Hereditary neoplastic syndrome; Hereditary Cancer Syndrome. Identifiers: Orphanet 140162, MedGen C0027672, MeSH D009386, MONDO:0015356.
Familial adenomatous polyposis 1 (FAP1). Also called: POLYPOSIS, ADENOMATOUS INTESTINAL; FAMILIAL ADENOMATOUS POLYPOSIS 1, ATTENUATED. Identifiers: MedGen C2713442, MONDO:0021056, OMIM 175100. Disease mechanism: loss of function.

Submissions (3):

Myriad Genetics, Inc.
Classification: Benign for Familial adenomatous polyposis 1. Last evaluated: 2024-03-25. Review status: criteria provided, single submitter. Criteria: Myriad Autosomal Dominant, Autosomal Recessive and X-Linked Classification Criteria (2023). Collection method: clinical testing. Allele origin: unknown.
Comment: This variant is considered benign. This variant is a silent/synonymous amino acid change and it is not expected to impact splicing.

Labcorp Genetics (formerly Invitae), Labcorp
Classification: Likely benign for Familial adenomatous polyposis 1. Last evaluated: 2024-01-24. Review status: criteria provided, single submitter. Criteria: Invitae Variant Classification Sherloc (09022015). Collection method: clinical testing. Allele origin: germline.

Ambry Genetics
Classification: Likely benign for Hereditary cancer-predisposing syndrome. Last evaluated: 2018-05-08. Review status: criteria provided, single submitter. Criteria: Ambry Variant Classification Scheme 2023. Collection method: clinical testing. Allele origin: germline.